The following is an entry in ClinVar:

ClinVar aggregate classification (germline): Uncertain significance (1 of 4 stars; one submission).

Conditions:
Hyper-IgE recurrent infection syndrome 1, autosomal dominant. Also called: JOB SYNDROME; Job's Syndrome; STAT3 Hyper IgE Syndrome; Hyper-IgE recurrent infection syndrome 1; HYPER-IgE SYNDROME 1, AUTOSOMAL DOMINANT, WITH RECURRENT INFECTIONS. Identifiers: Orphanet 2314, MedGen C2936739, MONDO:0007818, OMIM 147060.
STAT3 gain of function. Identifiers: MedGen C4288261.

Submission:

Labcorp Genetics (formerly Invitae), Labcorp
Classification: Uncertain significance for STAT3 gain of function; Hyper-IgE recurrent infection syndrome 1, autosomal dominant. Last evaluated: 2022-10-01. Review status: criteria provided, single submitter. Criteria: Invitae Variant Classification Sherloc (09022015). Collection method: clinical testing. Allele origin: germline.
Comment: In summary, the available evidence is currently insufficient to determine the role of this variant in disease. Therefore, it has been classified as a Variant of Uncertain Significance. Advanced modeling of protein sequence and biophysical properties (such as structural, functional, and spatial information, amino acid conservation, physicochemical variation, residue mobility, and thermodynamic stability) performed at Invitae indicates that this missense variant is not expected to disrupt STAT3 protein function. This variant has not been reported in the literature in individuals affected with STAT3-related conditions. This variant is not present in population databases (gnomAD no frequency). This sequence change replaces arginine, which is basic and polar, with lysine, which is basic and polar, at codon 414 of the STAT3 protein (p.Arg414Lys).

NM_139276.3(STAT3):c.1241G>A (p.Arg414Lys)

Gene: STAT3 (signal transducer and activator of transcription 3; minus strand). Cytogenetic location: 17q21.2.
Variant type: single nucleotide variant.
Coding change: c.1241G>A on transcript NM_139276.3 (MANE Select); coding-DNA position 1241, G replaced by A.
Protein change: p.Arg414Lys; replaces arginine 414 with lysine.
Molecular consequence: missense variant.
Genome position (GRCh38, 1-based): chr17:42,329,450, C>T on the plus strand (G>A on the coding strand, the complement: STAT3 is on the minus strand). VCF-style: chr17-42329450-C-T. GRCh37 (hg19) VCF-style: chr17-40481468-C-T.
Other names: c.1241G>A, p.Arg414Lys (NM_001369512.1, NM_001369513.1, NM_001369514.1 and 12 more transcripts); c.1256G>A, p.Arg419Lys (NM_001384990.1, NM_001384986.1); c.1181G>A, p.Arg394Lys (NM_001384992.1); c.1163G>A, p.Arg388Lys (NM_001384985.1); c.1145G>A, p.Arg382Lys (NM_001384989.1); short protein forms R382K, R388K, R394K, R414K, R419K.
Identifiers: ClinVar variation 1720779 (VCV001720779.6), dbSNP rs2081894973, ClinGen allele CA399588505.
Genomic context (GRCh38, chr17:42,329,450, plus strand): 5'-TCATCCCCAACAAAACTTACATCACAATTGGCTCGGCCCCCATTCCCACATCTCTGCTCC[C>T]TCAGGGTCTGTAAGAAAAGAAAAAGGCAGGTGTCCTGTGAGGCTCTCCCTAGCCCTCTCC-3'
Protein context (NP_644805.1, residues 404-424): LSAEFKHLTL[Arg414Lys]EQRCGNGGRA